The following is an entry in ClinVar:

ClinVar aggregate classification (germline): Conflicting classifications of pathogenicity. Review status: criteria provided, conflicting classifications (1 of 4 stars). 4 submissions from 4 submitters: Uncertain significance (2); Likely benign (2). Last evaluated 2026-07-01.

Conditions:
Inborn genetic diseases. Identifiers: MedGen C0950123, MeSH D030342.
Intellectual disability-facial dysmorphism syndrome due to SETD5 haploinsufficiency (MRD23). Also called: Intellectual developmental disorder, autosomal dominant 23. Identifiers: Orphanet 404440, MedGen C3810406, MONDO:0014336, OMIM 615761.

Allele frequency attached by ClinVar (database versions not stated): gnomAD exomes 0.00002 and 0.00005; TOPMed 0.00002; ExAC 0.00003; gnomAD 0.00004.

Submissions (4):

CeGaT Center for Human Genetics Tuebingen
Classification: Likely benign. Last evaluated: 2026-07-01. Review status: criteria provided, single submitter. Criteria: CeGaT Center For Human Genetics Tuebingen Variant Classification Criteria Version 2. Collection method: clinical testing. Allele origin: germline. Affected: yes. Observed: 1 variant allele.
Comment: SETD5: BP4

Labcorp Genetics (formerly Invitae), Labcorp
Classification: Uncertain significance. Last evaluated: 2026-01-05. Review status: criteria provided, single submitter. Criteria: Invitae Variant Classification Sherloc (09022015). Collection method: clinical testing. Allele origin: germline.
Comment: This sequence change replaces leucine, which is neutral and non-polar, with valine, which is neutral and non-polar, at codon 601 of the SETD5 protein (p.Leu601Val). This variant is present in population databases (rs745754668, gnomAD 0.006%). This variant has not been reported in the literature in individuals affected with SETD5-related conditions. ClinVar contains an entry for this variant (Variation ID: 1361892). Invitae Evidence Modeling of protein sequence and biophysical properties (such as structural, functional, and spatial information, amino acid conservation, physicochemical variation, residue mobility, and thermodynamic stability) indicates that this missense variant is not expected to disrupt SETD5 protein function with a negative predictive value of 80%. In summary, the available evidence is currently insufficient to determine the role of this variant in disease. Therefore, it has been classified as a Variant of Uncertain Significance.

Ambry Genetics
Classification: Likely benign for Inborn genetic diseases. Last evaluated: 2022-10-25. Review status: criteria provided, single submitter. Criteria: Ambry Variant Classification Scheme 2023. Collection method: clinical testing. Allele origin: germline.

Department of Pathology and Laboratory Medicine, Sinai Health System
Classification: Uncertain significance for Intellectual disability-facial dysmorphism syndrome due to SETD5 haploinsufficiency. Last evaluated: 2022-01-12. Review status: criteria provided, single submitter. Criteria: ACMG Guidelines, 2015. Collection method: research. Allele origin: germline.

NM_001080517.3(SETD5):c.1801C>G (p.Leu601Val)

Gene: SETD5 (SET domain containing 5; plus strand). Cytogenetic location: 3p25.3.
Variant type: single nucleotide variant.
Coding change: c.1801C>G on transcript NM_001080517.3 (MANE Select); coding-DNA position 1801, C replaced by G.
Protein change: p.Leu601Val; replaces leucine 601 with valine.
Molecular consequence: missense variant.
Genome position (GRCh38, 1-based): chr3:9,447,704, C>G. VCF-style: chr3-9447704-C-G. GRCh37 (hg19) VCF-style: chr3-9489388-C-G.
Other names: c.1507C>G, p.Leu503Val (NM_001292043.2, NM_001349451.2); c.1801C>G (NM_001080517.1); short protein forms L503V, L601V.
Identifiers: ClinVar variation 1361892 (VCV001361892.10), dbSNP rs745754668, ClinGen allele CA2239309.